The following is an entry in ClinVar:

ClinVar aggregate classification (germline): Uncertain significance (1 of 4 stars; one submission).

Conditions:
Neuropathy, hereditary sensory and autonomic, type 2A (HSAN2A). Also called: ACROOSTEOLYSIS, GIACCAI TYPE; ACROOSTEOLYSIS, NEUROGENIC; MORVAN DISEASE; NEUROPATHY, CONGENITAL SENSORY; NEUROPATHY, HEREDITARY SENSORY RADICULAR, AUTOSOMAL RECESSIVE; NEUROPATHY, HEREDITARY SENSORY, TYPE IIA. Identifiers: Orphanet 970, MedGen C2752089, MONDO:0024309, OMIM 201300.
Pseudohypoaldosteronism type 2C (PHA2C). Also called: Pseudohypoaldosteronism Type IIC. Identifiers: Orphanet 757, Orphanet 88940, MedGen C1840391, MONDO:0013778, OMIM 614492.

gnomAD v4.1: 5 of 1,514,920 alleles (0.00033%); highest among the groups gnomAD compares: Non-Finnish European, 0.00044%; no homozygotes.

Submission:

Labcorp Genetics (formerly Invitae), Labcorp
Classification: Uncertain significance for Neuropathy, hereditary sensory and autonomic, type 2A; Pseudohypoaldosteronism type 2C. Last evaluated: 2024-05-06. Review status: criteria provided, single submitter. Criteria: Invitae Variant Classification Sherloc (09022015). Collection method: clinical testing. Allele origin: germline.
Comment: This sequence change replaces methionine, which is neutral and non-polar, with isoleucine, which is neutral and non-polar, at codon 720 of the WNK1 protein (p.Met720Ile). The frequency data for this variant in the population databases is considered unreliable, as metrics indicate poor data quality at this position in the gnomAD database. This variant has not been reported in the literature in individuals affected with WNK1-related conditions. Advanced modeling of protein sequence and biophysical properties (such as structural, functional, and spatial information, amino acid conservation, physicochemical variation, residue mobility, and thermodynamic stability) performed at Invitae indicates that this missense variant is not expected to disrupt WNK1 protein function with a negative predictive value of 95%. In summary, the available evidence is currently insufficient to determine the role of this variant in disease. Therefore, it has been classified as a Variant of Uncertain Significance.

NM_213655.5(WNK1):c.2160G>C (p.Met720Ile)

Gene: WNK1 (WNK lysine deficient protein kinase 1; plus strand). Cytogenetic location: 12p13.33.
Variant type: single nucleotide variant.
Coding change: c.2160G>C on transcript NM_213655.5 (MANE Plus Clinical); coding-DNA position 2160, G replaced by C.
Protein change: p.Met720Ile; replaces methionine 720 with isoleucine.
Molecular consequence: missense variant. On other transcripts: intron variant (3).
Genome position (GRCh38, 1-based): chr12:865,130, G>C. VCF-style: chr12-865130-G-C. GRCh37 (hg19) VCF-style: chr12-974296-G-C.
Other names: c.2140-2736G>C (NM_001184985.2); c.2139+2860G>C (NM_018979.4, NM_014823.3); short protein forms M720I.
Identifiers: ClinVar variation 3758528 (VCV003758528.2).